The following is an entry in ClinVar:

NC_000014.9:g.(?_34710372)_(34713686_?)dup

Gene: CFL2 (cofilin 2; minus strand). Cytogenetic location: 14q13.1.
Variant type: Duplication.
Identifiers: ClinVar variation 833241 (VCV000833241.1).

ClinVar aggregate classification (germline): Uncertain significance (1 of 4 stars; one submission).

Conditions:
Nemaline myopathy 7 (NEM7). Also called: Nemaline myopathy 7, autosomal recessive. Identifiers: Orphanet 171436, MedGen C1853154, MONDO:0012538, OMIM 610687.

Submission:

Labcorp Genetics (formerly Invitae), Labcorp
Classification: Uncertain significance for Nemaline myopathy 7. Last evaluated: 2019-03-15. Review status: criteria provided, single submitter. Criteria: Invitae Variant Classification Sherloc (09022015). Collection method: clinical testing. Allele origin: germline.
Comment: This variant results in a copy number gain of the genomic region encompassing the full coding sequence of the CFL2 gene. The boundaries of this event are unknown as they extend beyond the assayed region for this gene and therefore may encompass additional genes. As the precise location of this event is unknown, it may be in tandem or it may be located elsewhere in the genome. This variant has not been reported in the literature in individuals with CFL2-related conditions. In summary, the available evidence is currently insufficient to determine the role of this variant in disease. Therefore, it has been classified as a Variant of Uncertain Significance.